The following is an entry in ClinVar:

GRCh38/hg38 17q25.3(chr17:82586979-83257441)x1

Genes: METRNL (meteorin like, glial cell differentiation regulator), MIR4525 (microRNA 4525; minus strand), RAB40B (RAB40B, member RAS oncogene family; minus strand), TBCD (tubulin folding cofactor D), ZNF750 (zinc finger protein 750; minus strand) and 38 more. Cytogenetic location: 17q25.3.
Variant type: copy number loss.
Change: copy number 1 (one copy instead of two) of chr17:82,586,979-83,257,441 (670.5 kb, GRCh38 coordinates, 1-based), cytogenetic band 17q25.3.
Identifiers: ClinVar variation 1098564 (VCV001098564.2).

ClinVar aggregate classification (germline): Uncertain significance (1 of 4 stars; one submission).

Submission:

Clinical Genomics Laboratory, Laboratory for Precision Diagnostics, University of Washington
Classification: Uncertain significance. Last evaluated: 2021-05-14. Review status: criteria provided, single submitter. Criteria: Clinical Cytogenomics Laboratory Policy on CNV Interpretation. Collection method: clinical testing. Allele origin: unknown. Affected: yes. Clinical features observed: Wide nasal bridge (HP:0000431), Impaired ocular abduction (HP:0000634), Intellectual disability (HP:0001249).
Comment: The classification of this deletion is uncertain, per ACMGG interpretation standards (see References). It affects protein-coding elements (Section 1, 0 points) but doesnâ€™t overlap any known dosage sensitive genes or regions (Section 2, 0 points). Nine protein-coding genes are affected by the deletion (Section 3, 0 points). A review of public databases (ClinVar, DECIPHER) and the medical literature shows several patients with similar deletion. Microarray showed no loss of genomic material from the short arm of chromosome 17 and a slightly smaller terminal deletion than seen in this patient (section 4C, 0.10 points). Probst et al. patient 4 was born with low birth weight, a tethered cord, a tracheoesophageal fistula, a cardiac VSD and PDA, and agenesis of the corpus callosum. DECIPHER and ClinVar contain 7 additional patients who have inherited a terminal deletion of 17q similar in size to the one seen here. The patients have a variety of clinical features, and no information is available about whether or not the carrier parent is healthy. The Database of Genomic Variants (DGV) includes one similar terminal deletion (nsv1067553, seen in 1 of 29,084 people). There are no similar deletions in gnomAD. Parental testing has not been done in this case (Section 5, 0 points).

Literature cited by the submitters: PubMed 29456482; PubMed 26070612.